The following is an entry in ClinVar:

ClinVar aggregate classification (germline): Uncertain significance (1 of 4 stars; one submission).

Conditions:
Neuronal ceroid lipofuscinosis 7 (CLN7). Also called: MFSD8-Related Neuronal Ceroid-Lipofuscinosis. Identifiers: Orphanet 168491, Orphanet 228366, MedGen C1838571, MONDO:0012588, OMIM 610951.

Submission:

Labcorp Genetics (formerly Invitae), Labcorp
Classification: Uncertain significance for Neuronal ceroid lipofuscinosis 7. Last evaluated: 2022-06-27. Review status: criteria provided, single submitter. Criteria: Invitae Variant Classification Sherloc (09022015). Collection method: clinical testing. Allele origin: germline.
Comment: ClinVar contains an entry for this variant (Variation ID: 1041380). In summary, the available evidence is currently insufficient to determine the role of this variant in disease. Therefore, it has been classified as a Variant of Uncertain Significance. Algorithms developed to predict the effect of missense changes on protein structure and function (SIFT, PolyPhen-2, Align-GVGD) all suggest that this variant is likely to be disruptive. This variant has not been reported in the literature in individuals affected with MFSD8-related conditions. This variant is not present in population databases (gnomAD no frequency). This sequence change replaces arginine, which is basic and polar, with proline, which is neutral and non-polar, at codon 337 of the MFSD8 protein (p.Arg337Pro).

NM_001371596.2(MFSD8):c.1010G>C (p.Arg337Pro)

Gene: MFSD8 (major facilitator superfamily domain containing 8; minus strand). Cytogenetic location: 4q28.2.
Variant type: single nucleotide variant.
Coding change: c.1010G>C on transcript NM_001371596.2 (MANE Select); coding-DNA position 1010, G replaced by C.
Protein change: p.Arg337Pro; replaces arginine 337 with proline.
Molecular consequence: missense variant.
Genome position (GRCh38, 1-based): chr4:127,921,952, C>G on the plus strand (G>C on the coding strand, the complement: MFSD8 is on the minus strand). VCF-style: chr4-127921952-C-G. GRCh37 (hg19) VCF-style: chr4-128843107-C-G.
Other names: c.809G>C, p.Arg270Pro (NM_001363520.3); c.695G>C, p.Arg232Pro (NM_001363521.3); c.875G>C, p.Arg292Pro (NM_001371590.2); c.1010G>C, p.Arg337Pro (NM_001371591.2, NM_152778.4); c.1016G>C, p.Arg339Pro (NM_001371592.2); c.896G>C, p.Arg299Pro (NM_001371593.2); c.863G>C, p.Arg288Pro (NM_001371594.2); c.728G>C, p.Arg243Pro (NM_001371595.1); and 1 more; short protein forms R292P, R270P, R288P, R299P, R232P, R243P, R337P, R339P.
Identifiers: ClinVar variation 1041380 (VCV001041380.6), dbSNP rs200386040, ClinGen allele CA358172075.